The following is an entry in ClinVar:

NM_005984.5(SLC25A1):c.25_26dup (p.Ala11fs)

Gene: SLC25A1 (solute carrier family 25 member 1; minus strand). Cytogenetic location: 22q11.21.
Variant type: Microsatellite.
Coding change: c.25_26dup on transcript NM_005984.5 (MANE Select); coding-DNA positions 25 to 26, 2 bases duplicated (GC; older notation c.25_26dupGC).
Protein change: p.Ala11fs; shifts the reading frame from alanine 11.
Molecular consequence: frameshift variant. On other transcripts: non-coding transcript variant (1).
Genome position (GRCh38, 1-based): chr22:19,178,648-19,178,649, GC duplicated on the plus strand (GC on the coding strand, the reverse complement: SLC25A1 is on the minus strand); duplicating any 2 consecutive bases within chr22:19,178,648-19,178,654 gives the same sequence; the c. name uses the placement nearest the transcript's 3' end. VCF-style (leftmost placement, unchanged base first): chr22-19178647-A-AGC. GRCh37 (hg19) VCF-style: chr22-19166160-A-AGC.
Other names: short protein forms A11fs.
Identifiers: ClinVar variation 3032349 (VCV003032349.2), dbSNP rs2517261569, ClinGen allele CA2577643201.

ClinVar aggregate classification (germline): Likely pathogenic (0 of 4 stars; one submission).

Conditions:
SLC25A1-related disorder. Also called: SLC25A1-related condition.

Submission:

PreventionGenetics, part of Exact Sciences
Classification: Likely pathogenic for SLC25A1-related condition. Last evaluated: 2024-02-09. Review status: no assertion criteria provided. Collection method: clinical testing. Allele origin: germline.
Comment: The SLC25A1 c.25_26dupGC variant is predicted to result in a frameshift and premature protein termination (p.Ala11Trpfs*13). To our knowledge, this variant has not been reported in the literature or in a large population database, indicating this variant is rare. Loss-of-function variants both up- and downstream of this location have been reported in affected individuals (ClinVar, HGMD). This variant is interpreted as likely pathogenic.